The following is an entry in ClinVar:

NM_006939.4(SOS2):c.3721C>T (p.His1241Tyr)

Gene: SOS2 (SOS Ras/Rho guanine nucleotide exchange factor 2; minus strand). Cytogenetic location: 14q21.3.
Variant type: single nucleotide variant.
Coding change: c.3721C>T on transcript NM_006939.4 (MANE Select); coding-DNA position 3721, C replaced by T.
Protein change: p.His1241Tyr; replaces histidine 1241 with tyrosine.
Molecular consequence: missense variant.
Genome position (GRCh38, 1-based): chr14:50,118,622, G>A on the plus strand (C>T on the coding strand, the complement: SOS2 is on the minus strand). VCF-style: chr14-50118622-G-A. GRCh37 (hg19) VCF-style: chr14-50585340-G-A.
Other names: c.3622C>T, p.His1208Tyr (NM_001411020.1); short protein forms H1208Y, H1241Y.
Identifiers: ClinVar variation 2792309 (VCV002792309.3), dbSNP rs2502757053, ClinGen allele CA389638095.

ClinVar aggregate classification (germline): Uncertain significance (1 of 4 stars; one submission).

Conditions:
Noonan syndrome 9 (NS9). Identifiers: Orphanet 648, MedGen C4225282, MONDO:0014691, OMIM 616559.

Submission:

Labcorp Genetics (formerly Invitae), Labcorp
Classification: Uncertain significance for Noonan syndrome 9. Last evaluated: 2023-10-22. Review status: criteria provided, single submitter. Criteria: Invitae Variant Classification Sherloc (09022015). Collection method: clinical testing. Allele origin: germline.
Comment: This sequence change replaces histidine, which is basic and polar, with tyrosine, which is neutral and polar, at codon 1241 of the SOS2 protein (p.His1241Tyr). This variant is not present in population databases (gnomAD no frequency). This variant has not been reported in the literature in individuals affected with SOS2-related conditions. Advanced modeling of protein sequence and biophysical properties (such as structural, functional, and spatial information, amino acid conservation, physicochemical variation, residue mobility, and thermodynamic stability) performed at Invitae indicates that this missense variant is not expected to disrupt SOS2 protein function. In summary, the available evidence is currently insufficient to determine the role of this variant in disease. Therefore, it has been classified as a Variant of Uncertain Significance.